The following is an entry in ClinVar:

ClinVar aggregate classification (germline): Uncertain significance. Review status: criteria provided, multiple submitters, no conflicts (2 of 4 stars). 3 submissions from 3 submitters: Uncertain significance (3). Last evaluated 2024-04-13.

Conditions:
Cardiovascular phenotype. Identifiers: MedGen CN230736.
ANKRD1-related dilated cardiomyopathy. Identifiers: MedGen CN119551.

Allele frequency attached by ClinVar (database versions not stated): gnomAD exomes below 0.00001 and 0.00001; gnomAD 0.00001; TOPMed 0.00001; ExAC 0.00002.
gnomAD v4.1: 3 of 1,613,728 alleles (0.00019%); highest among the groups gnomAD compares: African/African-American, 0.0027%; no homozygotes.

Submissions (3):

Labcorp Genetics (formerly Invitae), Labcorp
Classification: Uncertain significance for ANKRD1-related dilated cardiomyopathy. Last evaluated: 2024-04-13. Review status: criteria provided, single submitter. Criteria: Invitae Variant Classification Sherloc (09022015). Collection method: clinical testing. Allele origin: germline.
Comment: This sequence change replaces glycine, which is neutral and non-polar, with arginine, which is basic and polar, at codon 209 of the ANKRD1 protein (p.Gly209Arg). This variant is present in population databases (rs754771221, gnomAD 0.007%). This variant has not been reported in the literature in individuals affected with ANKRD1-related conditions. ClinVar contains an entry for this variant (Variation ID: 201674). Advanced modeling of protein sequence and biophysical properties (such as structural, functional, and spatial information, amino acid conservation, physicochemical variation, residue mobility, and thermodynamic stability) performed at Invitae indicates that this missense variant is not expected to disrupt ANKRD1 protein function with a negative predictive value of 80%. In summary, the available evidence is currently insufficient to determine the role of this variant in disease. Therefore, it has been classified as a Variant of Uncertain Significance.

Ambry Genetics
Classification: Uncertain significance for Cardiovascular phenotype. Last evaluated: 2020-01-09. Review status: criteria provided, single submitter. Criteria: Ambry Variant Classification Scheme 2023. Collection method: clinical testing. Allele origin: germline.
Comment: The p.G209R variant (also known as c.625G>C), located in coding exon 6 of the ANKRD1 gene, results from a G to C substitution at nucleotide position 625. The glycine at codon 209 is replaced by arginine, an amino acid with dissimilar properties. This amino acid position is highly conserved in available vertebrate species. In addition, this alteration is predicted to be deleterious by in silico analysis. Since supporting evidence is limited at this time, the clinical significance of this alteration remains unclear.

GeneDx
Classification: Uncertain significance. Last evaluated: 2014-09-04. Review status: criteria provided, single submitter. Criteria: GeneDx Variant Classification (06012015). Collection method: clinical testing. Allele origin: germline. Affected: yes.
Comment: A variant of unknown significance has been identified in the ANKRD1 gene. The G209R variant has not been published as a mutation, nor has it been reported as a benign polymorphism to our knowledge. The G209R variant was not observed in approximately 6,500 individuals of European and African American ancestry in the NHLBI Exome Sequencing Project, indicating it is not a common benign variant in these populations. The G209R variant is a non-conservative amino acid substitution, which is likely to impact secondary protein structure as these residues differ in polarity, charge, size and/or other properties. Additionally, this substitution occurs at a position that is conserved across species and in silico analysis predicts this variant is probably damaging to the protein structure/function. However, only one missense mutation in a nearby residue (L199R) has been reported in association with DCM, indicating this region of the protein may be tolerant of change. The variant is found in CARDIOMYOPATHY panel(s).

NM_014391.3(ANKRD1):c.625G>C (p.Gly209Arg)

Gene: ANKRD1 (ankyrin repeat domain 1; minus strand). Cytogenetic location: 10q23.31.
Variant type: single nucleotide variant.
Coding change: c.625G>C on transcript NM_014391.3 (MANE Select); coding-DNA position 625, G replaced by C.
Protein change: p.Gly209Arg; replaces glycine 209 with arginine.
Molecular consequence: missense variant.
Genome position (GRCh38, 1-based): chr10:90,916,197, C>G on the plus strand (G>C on the coding strand, the complement: ANKRD1 is on the minus strand). VCF-style: chr10-90916197-C-G. GRCh37 (hg19) VCF-style: chr10-92675954-C-G.
Other names: p.G209R:GGA>CGA; short protein forms G209R.
Identifiers: ClinVar variation 201674 (VCV000201674.7), dbSNP rs754771221, ClinGen allele CA335092.
Genomic context (GRCh38, chr10:90,916,197, plus strand): 5'-GGGTGAATGAAGGGAGAAGGAGAAGAAGGAATACCTTATCTCGGGCGCTAATTTTTGCTC[C>G]TTTATTCAGCAACAATTTTAAAACATCCAGGTTTCCTCCACGGCTTGCCCAGTGGATGGC-3'
Protein context (NP_055206.2, residues 199-219): LDVLKLLLNK[Gly209Arg]AKISARDKLL